The following is an entry in ClinVar:

ClinVar aggregate classification (germline): Likely pathogenic (1 of 4 stars; one submission).

Conditions:
Primary ciliary dyskinesia. Also called: Ciliary dyskinesia. Identifiers: Orphanet 244, MedGen C0008780, MONDO:0016575, HP:0012265.

gnomAD v4.1: 7 of 1,608,282 alleles (0.00044%); highest among the groups gnomAD compares: Admixed American, 0.01%; no homozygotes.

Submission:

Labcorp Genetics (formerly Invitae), Labcorp
Classification: Likely pathogenic for Primary ciliary dyskinesia. Last evaluated: 2024-05-06. Review status: criteria provided, single submitter. Criteria: Invitae Variant Classification Sherloc (09022015). Collection method: clinical testing. Allele origin: germline.
Comment: This sequence change affects a donor splice site in intron 4 of the RSPH1 gene. It is expected to disrupt RNA splicing. Variants that disrupt the donor or acceptor splice site typically lead to a loss of protein function (PMID: 16199547), and loss-of-function variants in RSPH1 are known to be pathogenic (PMID: 23993197). This variant is present in population databases (no rsID available, gnomAD 0.009%). This variant has not been reported in the literature in individuals affected with RSPH1-related conditions. Algorithms developed to predict the effect of sequence changes on RNA splicing suggest that this variant may disrupt the consensus splice site. In summary, the currently available evidence indicates that the variant is pathogenic, but additional data are needed to prove that conclusively. Therefore, this variant has been classified as Likely Pathogenic.

Literature cited by the submitters: PubMed 16199547; PubMed 23993197.

NM_080860.4(RSPH1):c.365+2T>C

Gene: RSPH1 (radial spoke head component 1; minus strand). Cytogenetic location: 21q22.3.
Variant type: single nucleotide variant.
Coding change: c.365+2T>C on transcript NM_080860.4 (MANE Select); the canonical splice donor site of the intron after coding-DNA position 365, T replaced by C.
Molecular consequence: splice donor variant.
Genome position (GRCh38, 1-based): chr21:42,486,369, A>G on the plus strand (T>C on the coding strand, the complement: RSPH1 is on the minus strand). VCF-style: chr21-42486369-A-G. GRCh37 (hg19) VCF-style: chr21-43906479-A-G.
Other names: c.251+2T>C (NM_001286506.2).
Identifiers: ClinVar variation 3708674 (VCV003708674.2).